The following continues an entry in ClinVar:

NM_206933.4(USH2A):c.5581G>A (p.Gly1861Ser)

ClinVar aggregate classification (germline): Pathogenic. Pathogenic (1).

Submissions 10 to 15 of 15:

GeneDx
Classification: Pathogenic. Last evaluated: 2024-04-19. Review status: criteria provided, single submitter. Criteria: GeneDx Variant Classification Process June 2021. Collection method: clinical testing. Allele origin: germline. Affected: yes. Not counted in ClinVar's aggregate classification.
Comment: In silico analysis supports that this missense variant has a deleterious effect on protein structure/function; Classified as pathogenic by the ClinGen Hearing Loss Expert Panel (ClinVar SCV000840514.3; PMID: 30311386); This variant is associated with the following publications: (PMID: 34416374, 30311386, 25356976, 30948794, 29625443, 26338283, 26310143, 23737954, 32675063, 32893482, 35314707, 32188678)

Women's Health and Genetics/Laboratory Corporation of America, LabCorp
Classification: Pathogenic for Usher syndrome. Last evaluated: 2023-08-24. Review status: criteria provided, single submitter. Criteria: LabCorp Variant Classification Summary - May 2015. Collection method: clinical testing. Allele origin: germline. Not counted in ClinVar's aggregate classification.
Comment: Variant summary: USH2A c.5581G>A (p.Gly1861Ser) results in a non-conservative amino acid change located in the laminin G domain (IPR001791) of the encoded protein sequence. Five of five in-silico tools predict a damaging effect of the variant on protein function. The variant allele was found at a frequency of 1.2e-05 in 250216 control chromosomes (gnomAD). c.5581G>A has been reported in the literature in the compound heterozygous state in multiple individuals affected with Usher Syndrome, including cases where it was confirmed to be in trans with a pathogenic variant (e.g. Huang_2013, Jiang_2015, Huang_2015, Zheng_2015, Guan_2021). These data indicate that the variant is very likely to be associated with disease. To our knowledge, no experimental evidence demonstrating an impact on protein function has been reported. The following publications have been ascertained in the context of this evaluation (PMID: 34416374, 25356976, 23737954, 26338283, 26310143). Four submitters, including the ClinGen Hearing Loss Variant Curation Expert Panel, have cited clinical-significance assessments for this variant to ClinVar after 2014. All submitters classified the variant as pathogenic/likely pathogenic. Based on the evidence outlined above, the variant was classified as pathogenic.

Baylor Genetics
Classification: Pathogenic for Retinitis pigmentosa 39. Last evaluated: 2023-06-22. Review status: criteria provided, single submitter. Criteria: ACMG Guidelines, 2015. Collection method: clinical testing. Allele origin: unknown. Not counted in ClinVar's aggregate classification.

Laboratory for Molecular Medicine, Mass General Brigham Personalized Medicine
Classification: Likely pathogenic for Rare genetic deafness. Last evaluated: 2011-12-07. Review status: criteria provided, single submitter. Criteria: LMM Criteria. Collection method: clinical testing. Allele origin: germline. Observed: 1 variant allele. Not counted in ClinVar's aggregate classification.
Comment: Therefore, this variant is likely pathogenic.

Juno Genomics, Hangzhou Juno Genomics, Inc
Classification: Pathogenic for Retinitis pigmentosa 39; Usher syndrome type 2A. Review status: criteria provided, single submitter. Criteria: ACMG Guidelines, 2015. Collection method: clinical testing. Allele origin: germline. Not counted in ClinVar's aggregate classification.
Comment: Multiple lines of computational evidence support a deleterious effect on the gene or gene product.;For recessive disorders, detected in trans with a pathogenic variant.;Patient's phenotype or family history is highly specific for a disease with a single genetic etiology.;Co-segregation with disease in multiple affected family members.

Counsyl
Classification: Likely pathogenic for Usher syndrome type 2A; Retinitis pigmentosa 39. Last evaluated: 2017-06-26. Review status: no assertion criteria provided. Collection method: clinical testing. Allele origin: unknown. Not counted in ClinVar's aggregate classification.

Literature cited by the submitters: PubMed 23737954 (cited by 6 submitters); PubMed 26338283 (cited by 5 submitters); PubMed 26310143 (cited by 6 submitters); PubMed 25356976 (cited by 5 submitters); PubMed 30948794 (cited by Myriad Genetics, Inc.); PubMed 32893482 (cited by Myriad Genetics, Inc.); PubMed 38879497 (cited by Myriad Genetics, Inc.); PubMed 29625443 (cited by Labcorp Genetics (formerly Invitae), Labcorp); PubMed 32188678 (cited by Natera, Inc.); PubMed 34416374 (cited by Women's Health and Genetics/Laboratory Corporation of America, LabCorp).